The following is an entry in ClinVar:

ClinVar aggregate classification (germline): Conflicting classifications of pathogenicity. Review status: criteria provided, conflicting classifications (1 of 4 stars). 3 submissions from 3 submitters: Uncertain significance (2); Likely benign (1). Last evaluated 2025-04-21.

Conditions:
Spastic paraplegia. Identifiers: MedGen C0037772, HP:0001258.

Allele frequency attached by ClinVar (database versions not stated): TOPMed 0.00002; gnomAD 0.00001.
gnomAD v4.1: 4 of 1,612,736 alleles (0.00025%); highest among the groups gnomAD compares: Admixed American, 0.0067%; no homozygotes.

Submissions (3):

Labcorp Genetics (formerly Invitae), Labcorp
Classification: Likely benign for Spastic paraplegia. Last evaluated: 2025-04-21. Review status: criteria provided, single submitter. Criteria: Invitae Variant Classification Sherloc (09022015). Collection method: clinical testing. Allele origin: germline.

GeneDx
Classification: Uncertain significance. Last evaluated: 2022-06-22. Review status: criteria provided, single submitter. Criteria: GeneDx Variant Classification Process June 2021. Collection method: clinical testing. Allele origin: germline. Affected: yes.
Comment: Not observed at significant frequency in large population cohorts (gnomAD); In silico analysis supports that this missense variant has a deleterious effect on protein structure/function; Has not been previously published as pathogenic or benign to our knowledge

Athena Diagnostics
Classification: Uncertain significance. Last evaluated: 2021-07-16. Review status: criteria provided, single submitter. Criteria: Athena Diagnostics Criteria. Collection method: clinical testing. Allele origin: unknown.

NM_014363.6(SACS):c.4538G>C (p.Gly1513Ala)

Gene: SACS (sacsin molecular chaperone; minus strand). Cytogenetic location: 13q12.12.
Variant type: single nucleotide variant.
Coding change: c.4538G>C on transcript NM_014363.6 (MANE Select); coding-DNA position 4538, G replaced by C.
Protein change: p.Gly1513Ala; replaces glycine 1513 with alanine.
Molecular consequence: missense variant.
Genome position (GRCh38, 1-based): chr13:23,339,338, C>G on the plus strand (G>C on the coding strand, the complement: SACS is on the minus strand). VCF-style: chr13-23339338-C-G. GRCh37 (hg19) VCF-style: chr13-23913477-C-G.
Other names: c.4097G>C, p.Gly1366Ala (NM_001278055.2); short protein forms G1366A, G1513A.
Identifiers: ClinVar variation 1806719 (VCV001806719.4), dbSNP rs768073167, ClinGen allele CA246660118.